The following is an entry in ClinVar:

NM_001035.3(RYR2):c.13630G>A (p.Val4544Met)

Gene: RYR2 (ryanodine receptor 2; plus strand). Cytogenetic location: 1q43.
Variant type: single nucleotide variant.
Coding change: c.13630G>A on transcript NM_001035.3 (MANE Select); coding-DNA position 13630, G replaced by A.
Protein change: p.Val4544Met; replaces valine 4544 with methionine.
Molecular consequence: missense variant.
Genome position (GRCh38, 1-based): chr1:237,792,171, G>A. VCF-style: chr1-237792171-G-A. GRCh37 (hg19) VCF-style: chr1-237955471-G-A.
Other names: c.13630G>A (NM_001035.2); short protein forms V4544M.
Identifiers: ClinVar variation 927473 (VCV000927473.14), dbSNP rs1235379196, ClinGen allele CA345417392.

ClinVar aggregate classification (germline): Conflicting classifications of pathogenicity. Review status: criteria provided, conflicting classifications (1 of 4 stars). 5 submissions from 5 submitters: Uncertain significance (4); Likely benign (1). Last evaluated 2026-03-29.

Conditions:
Cardiovascular phenotype. Identifiers: MedGen CN230736.
Catecholaminergic polymorphic ventricular tachycardia (CVPT). Also called: Catecholamine-induced polymorphic ventricular tachycardia. Identifiers: Orphanet 3286, MedGen C5574922, MONDO:0017990.
Cardiomyopathy (CMYO). Also called: Cardiomyopathies. Identifiers: Orphanet 167848, MedGen C0878544, MONDO:0004994, HP:0001638. Inheritance: Various modes of inheritance.
Arrhythmogenic right ventricular dysplasia 2. Identifiers: MedGen C1832931.
Catecholaminergic polymorphic ventricular tachycardia 1. Also called: VENTRICULAR TACHYCARDIA, STRESS-INDUCED POLYMORPHIC 1; VENTRICULAR TACHYCARDIA, CATECHOLAMINERGIC POLYMORPHIC, 1, WITH OR WITHOUT ATRIAL DYSFUNCTION AND/OR DILATED CARDIOMYOPATHY; RYR2-Related Catecholaminergic Polymorphic Ventricular Tachycardia. Identifiers: Orphanet 3286, MedGen C1631597, MONDO:0011484, OMIM 604772.
Ventricular arrhythmias due to cardiac ryanodine receptor calcium release deficiency syndrome. Also called: Autosomal dominant cardiac arrhythmia (Kuhn). Identifiers: MedGen C5542154, MONDO:0020745, OMIM 115000.

Allele frequency attached by ClinVar (database versions not stated): gnomAD exomes below 0.00001 and 0.00001.
gnomAD v4.1: 12 of 1,612,718 alleles (0.00074%); highest among the groups gnomAD compares: Non-Finnish European, 0.001%; no homozygotes.

Submissions (5):

Ambry Genetics
Classification: Uncertain significance for Cardiovascular phenotype. Last evaluated: 2026-03-29. Review status: criteria provided, single submitter. Criteria: Ambry Variant Classification Scheme 2023. Collection method: clinical testing. Allele origin: germline.
Comment: The p.V4544M variant (also known as c.13630G>A), located in coding exon 94 of the RYR2 gene, results from a G to A substitution at nucleotide position 13630. The valine at codon 4544 is replaced by methionine, an amino acid with highly similar properties. This amino acid position is conserved. In addition, this alteration is predicted to be tolerated by in silico analysis. Based on the available evidence, the clinical significance of this variant remains unclear.

Color Diagnostics, LLC DBA Color Health
Classification: Likely benign for Cardiomyopathy. Last evaluated: 2025-11-04. Review status: criteria provided, single submitter. Criteria: ACMG Guidelines, 2015. Collection method: clinical testing. Allele origin: germline.

Labcorp Genetics (formerly Invitae), Labcorp
Classification: Uncertain significance for Catecholaminergic polymorphic ventricular tachycardia 1. Last evaluated: 2025-05-17. Review status: criteria provided, single submitter. Criteria: Invitae Variant Classification Sherloc (09022015). Collection method: clinical testing. Allele origin: germline.
Comment: This sequence change replaces valine, which is neutral and non-polar, with methionine, which is neutral and non-polar, at codon 4544 of the RYR2 protein (p.Val4544Met). This variant is present in population databases (no rsID available, gnomAD no frequency). This variant has not been reported in the literature in individuals affected with RYR2-related conditions. ClinVar contains an entry for this variant (Variation ID: 927473). Invitae Evidence Modeling of protein sequence and biophysical properties (such as structural, functional, and spatial information, amino acid conservation, physicochemical variation, residue mobility, and thermodynamic stability) indicates that this missense variant is not expected to disrupt RYR2 protein function with a negative predictive value of 95%. In summary, the available evidence is currently insufficient to determine the role of this variant in disease. Therefore, it has been classified as a Variant of Uncertain Significance.

All of Us Research Program, National Institutes of Health
Classification: Uncertain significance for Catecholaminergic polymorphic ventricular tachycardia. Last evaluated: 2023-11-30. Review status: criteria provided, single submitter. Criteria: ACMG Guidelines, 2015. Collection method: clinical testing. Allele origin: germline. Inheritance: Autosomal dominant inheritance. Observed: 1 variant allele, 1 heterozygote.
Comment: This missense variant replaces valine with methionine at codon 4544 of the RYR2 protein. Computational prediction suggests that this variant may not impact protein structure and function (internally defined REVEL score threshold <= 0.5, PMID: 27666373). To our knowledge, functional studies have not been reported for this variant. This variant has not been reported in individuals affected with cardiovascular disorders in the literature. This variant has been identified in 1/246570 chromosomes in the general population by the Genome Aggregation Database (gnomAD). The available evidence is insufficient to determine the role of this variant in disease conclusively. Therefore, this variant is classified as a Variant of Uncertain Significance.

This study involves interpretation of variants in research participants for the purpose of population health screening. Participant phenotype was not available at the time of variant classification. Additional details can be found in publication PMID: 35346344, PMCID: PMC8962531

Fulgent Genetics
Classification: Uncertain significance for Ventricular arrhythmias due to cardiac ryanodine receptor calcium release deficiency syndrome; Catecholaminergic polymorphic ventricular tachycardia 1. Last evaluated: 2021-10-11. Review status: criteria provided, single submitter. Criteria: ACMG Guidelines, 2015. Collection method: clinical testing. Allele origin: unknown.